The following is an entry in ClinVar:

NM_001035.3(RYR2):c.3326C>G (p.Thr1109Ser)

Gene: RYR2 (ryanodine receptor 2; plus strand). Cytogenetic location: 1q43.
Variant type: single nucleotide variant.
Coding change: c.3326C>G on transcript NM_001035.3 (MANE Select); coding-DNA position 3326, C replaced by G.
Protein change: p.Thr1109Ser; replaces threonine 1109 with serine.
Molecular consequence: missense variant.
Genome position (GRCh38, 1-based): chr1:237,566,678, C>G. VCF-style: chr1-237566678-C-G. GRCh37 (hg19) VCF-style: chr1-237729978-C-G.
Other names: short protein forms T1109S.
Identifiers: ClinVar variation 1320540 (VCV001320540.5), dbSNP rs2148252557, ClinGen allele CA345398398.

ClinVar aggregate classification (germline): Uncertain significance. Review status: criteria provided, multiple submitters, no conflicts (2 of 4 stars). 2 submissions from 2 submitters: Uncertain significance (2). Last evaluated 2022-12-24.

Conditions:
Catecholaminergic polymorphic ventricular tachycardia 1. Also called: RYR2-Related Catecholaminergic Polymorphic Ventricular Tachycardia; VENTRICULAR TACHYCARDIA, CATECHOLAMINERGIC POLYMORPHIC, 1, WITH OR WITHOUT ATRIAL DYSFUNCTION AND/OR DILATED CARDIOMYOPATHY; VENTRICULAR TACHYCARDIA, STRESS-INDUCED POLYMORPHIC 1. Identifiers: Orphanet 3286, MedGen C1631597, MONDO:0011484, OMIM 604772.

Submissions (2):

Labcorp Genetics (formerly Invitae), Labcorp
Classification: Uncertain significance for Catecholaminergic polymorphic ventricular tachycardia 1. Last evaluated: 2022-12-24. Review status: criteria provided, single submitter. Criteria: Invitae Variant Classification Sherloc (09022015). Collection method: clinical testing. Allele origin: germline.
Comment: In summary, the available evidence is currently insufficient to determine the role of this variant in disease. Therefore, it has been classified as a Variant of Uncertain Significance. Advanced modeling of protein sequence and biophysical properties (such as structural, functional, and spatial information, amino acid conservation, physicochemical variation, residue mobility, and thermodynamic stability) performed at Invitae indicates that this missense variant is not expected to disrupt RYR2 protein function. ClinVar contains an entry for this variant (Variation ID: 1320540). This variant has not been reported in the literature in individuals affected with RYR2-related conditions. This variant is not present in population databases (gnomAD no frequency). This sequence change replaces threonine, which is neutral and polar, with serine, which is neutral and polar, at codon 1109 of the RYR2 protein (p.Thr1109Ser).

GeneDx
Classification: Uncertain significance. Last evaluated: 2020-10-19. Review status: criteria provided, single submitter. Criteria: GeneDx Variant Classification Process June 2021. Collection method: clinical testing. Allele origin: germline. Affected: yes.
Comment: Not observed in large population cohorts (Lek et al., 2016); Has not been previously published as pathogenic or benign to our knowledge; In silico analysis supports a deleterious effect on splicing; In silico analysis supports that this missense variant has a deleterious effect on protein structure/function